The following is an entry in ClinVar:

ClinVar aggregate classification (germline): Benign. Review status: criteria provided, multiple submitters, no conflicts (2 of 4 stars). 2 submissions from 2 submitters: Benign (2). Last evaluated 2016-03-28.

Allele frequency attached by ClinVar (database versions not stated): 1000 Genomes Project 30x 0.42286; ESP Exome Variant Server 0.42742; gnomAD 0.42855 and 0.43493; 1000 Genomes Project 0.43131; TOPMed 0.43893; ExAC 0.50618; gnomAD exomes 0.51210 and 0.53185.
gnomAD v4.1: 843,083 of 1,613,624 alleles (52%); highest among the groups gnomAD compares: East Asian, 60%; 225,681 homozygotes.

Submissions (2):

Laboratory for Molecular Medicine, Mass General Brigham Personalized Medicine
Classification: Benign. Last evaluated: 2016-03-28. Review status: criteria provided, single submitter. Criteria: LMM Criteria. Collection method: clinical testing. Allele origin: germline.
Comment: Variant identified in a genome or exome case(s) and assessed due to predicted null impact of the variant or pathogenic assertions in the literature or databases. Disclaimer: This variant has not undergone full assessment. The following are preliminary notes: Frequency

Breakthrough Genomics
Classification: Benign. Review status: criteria provided, single submitter. Criteria: ACMG Guidelines, 2015. Collection method: not provided. Allele origin: germline. Inheritance: Unknown mechanism. Affected: yes.

NM_001725.3(BPI):c.35C>T (p.Ala12Val)

Gene: BPI (bactericidal permeability increasing protein; plus strand). Cytogenetic location: 20q11.23.
Variant type: single nucleotide variant.
Coding change: c.35C>T on transcript NM_001725.3 (MANE Select); coding-DNA position 35, C replaced by T.
Protein change: p.Ala12Val; replaces alanine 12 with valine.
Molecular consequence: missense variant.
Genome position (GRCh38, 1-based): chr20:38,304,258, C>T. VCF-style: chr20-38304258-C-T. GRCh37 (hg19) VCF-style: chr20-36932660-C-T.
Other names: short protein forms A16V, A12V.
Identifiers: ClinVar variation 402430 (VCV000402430.5), dbSNP rs1341023, ClinGen allele CA9851982.
Genomic context (GRCh38, chr20:38,304,258, plus strand): 5'-GGCAGCTCTGGAGGATGAGAGAGAACATGGCCAGGGGCCCTTGCAACGCGCCGAGATGGG[C>T]GTCCCTGATGGTGCTGGTCGCCATAGGCACCGCCGTGACAGCGGCCGTCAACCCTGGCGT-3'
Protein context (NP_001716.3, residues 2-22): ARGPCNAPRW[Ala12Val]SLMVLVAIGT